The following is an entry in ClinVar:

ClinVar aggregate classification (germline): Uncertain significance (1 of 4 stars; one submission).

Submission:

Center for Genomic Medicine, Rigshospitalet, Copenhagen University Hospital
Classification: Uncertain significance. Last evaluated: 2025-12-29. Review status: criteria provided, single submitter. Criteria: ACMG Guidelines, 2015. Collection method: clinical testing. Allele origin: germline.
Comment: Classification criteria: PP3, PM2_Supporting

Literature cited by the submitters: PubMed 8640229.

NM_000037.4(ANK1):c.613-501A>T

Gene: ANK1 (ankyrin 1; minus strand). Cytogenetic location: 8p11.21.
Variant type: single nucleotide variant.
Coding change: c.613-501A>T on transcript NM_000037.4 (MANE Select); 501 bases into the intron before coding-DNA position 613, A replaced by T.
Molecular consequence: intron variant.
Genome position (GRCh38, 1-based): chr8:41,725,055, T>A on the plus strand (A>T on the coding strand, the complement: ANK1 is on the minus strand). VCF-style: chr8-41725055-T-A. GRCh37 (hg19) VCF-style: chr8-41582573-T-A.
Other names: c.712-501A>T (NM_001142446.2); c.613-501A>T (NM_020477.3, NM_020475.3, NM_020476.3).
Identifiers: ClinVar variation 4539371 (VCV004539371.1).
Genomic context (GRCh38, chr8:41,725,055, plus strand): 5'-GACTACAGGCGAACACCATCATGCCCAGCTAATTTTAAAAAAAATGTTTTAGAGGCAGGG[T>A]CTCACTATGTTGTCCAGGCTGGTCTCCAATTCCTGGGCTCAAACCATCCTCCTGCCTCAA-3'